The following is an entry in ClinVar:

NM_001205293.3(CACNA1E):c.2705G>A (p.Gly902Glu)

Gene: CACNA1E (calcium voltage-gated channel subunit alpha1 E; plus strand). Cytogenetic location: 1q25.3.
Variant type: single nucleotide variant.
Coding change: c.2705G>A on transcript NM_001205293.3 (MANE Select); coding-DNA position 2705, G replaced by A.
Protein change: p.Gly902Glu; replaces glycine 902 with glutamic acid.
Molecular consequence: missense variant.
Genome position (GRCh38, 1-based): chr1:181,732,791, G>A. VCF-style: chr1-181732791-G-A. GRCh37 (hg19) VCF-style: chr1-181701927-G-A.
Other names: p.Gly902Glu; c.2705G>A, p.Gly902Glu (NM_000721.4); c.2648G>A, p.Gly883Glu (NM_001205294.2); short protein forms G902E, G883E.
Identifiers: ClinVar variation 1464009 (VCV001464009.9), dbSNP rs1291056979, ClinGen allele CA343618641.

ClinVar aggregate classification (germline): Uncertain significance. Review status: criteria provided, multiple submitters, no conflicts (2 of 4 stars). 2 submissions from 2 submitters: Uncertain significance (2). Last evaluated 2025-04-03.

Allele frequency attached by ClinVar (database versions not stated): gnomAD exomes below 0.00001 and 0.00001.
gnomAD v4.1: 7 of 1,597,548 alleles (0.00044%); highest among the groups gnomAD compares: Non-Finnish European, 0.00051%; no homozygotes.

Submissions (2):

Mayo Clinic Laboratories, Mayo Clinic
Classification: Uncertain significance. Last evaluated: 2025-04-03. Review status: criteria provided, single submitter. Criteria: ACMG Guidelines, 2015. Collection method: clinical testing. Allele origin: germline. Observed: 1 variant allele.
Comment: PP2

Labcorp Genetics (formerly Invitae), Labcorp
Classification: Uncertain significance. Last evaluated: 2022-07-12. Review status: criteria provided, single submitter. Criteria: Invitae Variant Classification Sherloc (09022015). Collection method: clinical testing. Allele origin: germline.
Comment: This sequence change replaces glycine, which is neutral and non-polar, with glutamic acid, which is acidic and polar, at codon 902 of the CACNA1E protein (p.Gly902Glu). This variant is present in population databases (no rsID available, gnomAD 0.005%). This variant has not been reported in the literature in individuals affected with CACNA1E-related conditions. ClinVar contains an entry for this variant (Variation ID: 1464009). Advanced modeling of protein sequence and biophysical properties (such as structural, functional, and spatial information, amino acid conservation, physicochemical variation, residue mobility, and thermodynamic stability) performed at Invitae indicates that this missense variant is not expected to disrupt CACNA1E protein function. In summary, the available evidence is currently insufficient to determine the role of this variant in disease. Therefore, it has been classified as a Variant of Uncertain Significance.